The following is an entry in ClinVar:

ClinVar aggregate classification (germline): Uncertain significance (1 of 4 stars; one submission).

Conditions:
Colorectal cancer, hereditary nonpolyposis, type 7. Identifiers: Orphanet 144, MedGen C1858380, MONDO:0013725, OMIM 614385.

Submission:

Labcorp Genetics (formerly Invitae), Labcorp
Classification: Uncertain significance for Colorectal cancer, hereditary nonpolyposis, type 7. Last evaluated: 2025-12-30. Review status: criteria provided, single submitter. Criteria: Invitae Variant Classification Sherloc (09022015). Collection method: clinical testing. Allele origin: germline.
Comment: This sequence change replaces asparagine, which is neutral and polar, with histidine, which is basic and polar, at codon 1217 of the MLH3 protein (p.Asn1217His). Information on the frequency of this variant in the gnomAD database is not available, as this variant may be reported differently in the database. This variant has not been reported in the literature in individuals affected with MLH3-related conditions. Experimental studies and prediction algorithms are not available or were not evaluated, and the functional significance of this variant is currently unknown. In summary, the available evidence is currently insufficient to determine the role of this variant in disease. Therefore, it has been classified as a Variant of Uncertain Significance.

NM_001040108.2(MLH3):c.3648_3649delinsAC (p.Asn1217His)

Gene: MLH3 (mutL homolog 3; minus strand). Cytogenetic location: 14q24.3.
Variant type: Indel.
Coding change: c.3648_3649delinsAC on transcript NM_001040108.2 (MANE Select); coding-DNA positions 3648 to 3649, GA replaced by AC.
Protein change: p.Asn1217His; replaces asparagine 1217 with histidine.
Molecular consequence: missense variant. On other transcripts: intron variant (1).
Genome position (GRCh38, 1-based): chr14:75,033,485-75,033,486, TC replaced by GT on the plus strand (GA replaced by AC on the coding strand, the reverse complement: MLH3 is on the minus strand). VCF-style: chr14-75033485-TC-GT. GRCh37 (hg19) VCF-style: chr14-75500188-TC-GT.
Other names: c.3644-1307_3644-1306delinsAC (NM_014381.3); short protein forms N1217H.
Identifiers: ClinVar variation 4734474 (VCV004734474.1).